The following is an entry in ClinVar:

ClinVar aggregate classification (germline): Uncertain significance (1 of 4 stars; one submission).

Conditions:
TBX3-related disorder. Also called: TBX3-related condition.

gnomAD v4.1: 11 of 1,613,986 alleles (0.00068%); highest among the groups gnomAD compares: Admixed American, 0.0033%; no homozygotes.

Submission:

PreventionGenetics, part of Exact Sciences
Classification: Uncertain significance for TBX3-related condition. Last evaluated: 2026-05-17. Review status: criteria provided, single submitter. Criteria: ACMG Guidelines, 2015. Collection method: clinical testing. Allele origin: germline.
Comment: The TBX3 c.752G>A variant is predicted to result in the amino acid substitution p.Arg251Gln. To our knowledge, this variant has not been reported in the literature. This variant is reported in 0.0028% of alleles in individuals of Latino descent in gnomAD. At this time, the clinical significance of this variant is uncertain due to the absence of conclusive functional and genetic evidence.

NM_005996.4(TBX3):c.692G>A (p.Arg231Gln)

Gene: TBX3 (T-box transcription factor 3; minus strand). Cytogenetic location: 12q24.21.
Variant type: single nucleotide variant.
Coding change: c.692G>A on transcript NM_005996.4 (MANE Select); coding-DNA position 692, G replaced by A.
Protein change: p.Arg231Gln; replaces arginine 231 with glutamine.
Molecular consequence: missense variant.
Genome position (GRCh38, 1-based): chr12:114,679,617, C>T on the plus strand (G>A on the coding strand, the complement: TBX3 is on the minus strand). VCF-style: chr12-114679617-C-T. GRCh37 (hg19) VCF-style: chr12-115117422-C-T.
Other names: c.752G>A, p.Arg251Gln (NM_016569.4); short protein forms R251Q, R231Q.
Identifiers: ClinVar variation 4987495 (VCV004987495.1), dbSNP rs151047347.
Genomic context (GRCh38, chr12:114,679,617, plus strand): 5'-TATGTCCGAAATGTACTATAAGGGAGTTTCAAGATGTCATTGGCTCTTACAATGTGGAAC[C>T]GGGGCTGGTATTTGTGCATGGAGTTCAATATAGTCTGCAGGGGCAGGGAAGAGGAGACAT-3'
Protein context (NP_005987.3, residues 221-241): ILNSMHKYQP[Arg231Gln]FHIVRANDIL